The following is an entry in ClinVar:

NM_000245.4(MET):c.3149C>T (p.Thr1050Ile)

Gene: MET (MET proto-oncogene, receptor tyrosine kinase; plus strand). Cytogenetic location: 7q31.2.
Variant type: single nucleotide variant.
Coding change: c.3149C>T on transcript NM_000245.4 (MANE Select); coding-DNA position 3149, C replaced by T.
Protein change: p.Thr1050Ile; replaces threonine 1050 with isoleucine.
Molecular consequence: missense variant.
Genome position (GRCh38, 1-based): chr7:116,775,001, C>T. VCF-style: chr7-116775001-C-T. GRCh37 (hg19) VCF-style: chr7-116415055-C-T.
Other names: c.3203C>T, p.Thr1068Ile (NM_001127500.3); c.1859C>T, p.Thr620Ile (NM_001324402.2); short protein forms T1068I, T620I, T1050I.
Identifiers: ClinVar variation 841145 (VCV000841145.10), dbSNP rs1179812872, ClinGen allele CA368988356.

ClinVar aggregate classification (germline): Uncertain significance (1 of 4 stars; one submission).

Conditions:
Renal cell carcinoma. Identifiers: Orphanet 217071, MedGen C0007134, MeSH D002292, MONDO:0005086, HP:0005584.

gnomAD v4.1: 1 of 1,614,198 alleles (0.000062%); highest among the groups gnomAD compares: East Asian, 0.0022%; no homozygotes.

Submission:

Labcorp Genetics (formerly Invitae), Labcorp
Classification: Uncertain significance for Renal cell carcinoma. Last evaluated: 2019-12-12. Review status: criteria provided, single submitter. Criteria: Invitae Variant Classification Sherloc (09022015). Collection method: clinical testing. Allele origin: germline.
Comment: This variant has not been reported in the literature in individuals with MET-related conditions. This variant is not present in population databases (ExAC no frequency). This sequence change replaces threonine with isoleucine at codon 1068 of the MET protein (p.Thr1068Ile). The threonine residue is moderately conserved and there is a moderate physicochemical difference between threonine and isoleucine. Algorithms developed to predict the effect of missense changes on protein structure and function are either unavailable or do not agree on the potential impact of this missense change (SIFT: "Tolerated"; PolyPhen-2: "Possibly Damaging"; Align-GVGD: "Class C0"). In summary, the available evidence is currently insufficient to determine the role of this variant in disease. Therefore, it has been classified as a Variant of Uncertain Significance.